The following is an entry in ClinVar:

ClinVar aggregate classification (germline): Uncertain significance (1 of 4 stars; one submission).

Submission:

Labcorp Genetics (formerly Invitae), Labcorp
Classification: Uncertain significance. Last evaluated: 2025-03-26. Review status: criteria provided, single submitter. Criteria: Invitae Variant Classification Sherloc (09022015). Collection method: clinical testing. Allele origin: germline.
Comment: This sequence change replaces valine, which is neutral and non-polar, with methionine, which is neutral and non-polar, at codon 117 of the FCHO1 protein (p.Val117Met). This variant is not present in population databases (gnomAD no frequency). This variant has not been reported in the literature in individuals affected with FCHO1-related conditions. An algorithm developed to predict the effect of missense changes on protein structure and function (PolyPhen-2) suggests that this variant is likely to be tolerated. In summary, the available evidence is currently insufficient to determine the role of this variant in disease. Therefore, it has been classified as a Variant of Uncertain Significance.

NM_015122.3(FCHO1):c.349G>A (p.Val117Met)

Gene: FCHO1 (FCH and mu domain containing endocytic adaptor 1; plus strand). Cytogenetic location: 19p13.11.
Variant type: single nucleotide variant.
Coding change: c.349G>A on transcript NM_015122.3 (MANE Select); coding-DNA position 349, G replaced by A.
Protein change: p.Val117Met; replaces valine 117 with methionine.
Molecular consequence: missense variant. On other transcripts: non-coding transcript variant (36), intron variant (3).
Genome position (GRCh38, 1-based): chr19:17,770,437, G>A. VCF-style: chr19-17770437-G-A. GRCh37 (hg19) VCF-style: chr19-17881246-G-A.
Other names: c.349G>A, p.Val117Met (NM_001161357.2, NM_001161358.2, NM_001384370.1 and 26 more transcripts); c.199G>A, p.Val67Met (NM_001161359.2, NM_001384384.1, NM_001384385.1 and 3 more transcripts); c.274G>A, p.Val92Met (NM_001384390.1); c.337-27G>A (NM_001384388.1, NM_001384405.1, NM_001384389.1); short protein forms V67M, V92M, V117M.
Identifiers: ClinVar variation 4753433 (VCV004753433.1).